The following is an entry in ClinVar:

ClinVar aggregate classification (germline): Uncertain significance (1 of 4 stars; one submission).

Conditions:
Atrial standstill 1 (ATRST1). Also called: Atrial standstill, digenic (GJA5/SCN5A); ATRIAL CARDIOMYOPATHY WITH HEART BLOCK; CARDIOMYOPATHY, FAMILIAL, WITH CONDUCTION DISTURBANCE. Identifiers: Orphanet 1344, MedGen C4551959, MONDO:0007171, OMIM 108770.
Atrial fibrillation, familial, 11 (ATFB11). Identifiers: MedGen C3279693, MONDO:0013544, OMIM 614049.

Allele frequency attached by ClinVar (database versions not stated): ExAC 0.00001.

Submission:

Labcorp Genetics (formerly Invitae), Labcorp
Classification: Uncertain significance for Atrial fibrillation, familial, 11; Atrial standstill 1. Last evaluated: 2025-06-11. Review status: criteria provided, single submitter. Criteria: Invitae Variant Classification Sherloc (09022015). Collection method: clinical testing. Allele origin: germline.
Comment: This sequence change replaces arginine, which is basic and polar, with leucine, which is neutral and non-polar, at codon 160 of the GJA5 protein (p.Arg160Leu). This variant is present in population databases (rs782538185, gnomAD 0.0009%). This variant has not been reported in the literature in individuals affected with GJA5-related conditions. ClinVar contains an entry for this variant (Variation ID: 844690). Invitae Evidence Modeling of protein sequence and biophysical properties (such as structural, functional, and spatial information, amino acid conservation, physicochemical variation, residue mobility, and thermodynamic stability) indicates that this missense variant is expected to disrupt GJA5 protein function with a positive predictive value of 80%. In summary, the available evidence is currently insufficient to determine the role of this variant in disease. Therefore, it has been classified as a Variant of Uncertain Significance.

NM_181703.4(GJA5):c.479G>T (p.Arg160Leu)

Gene: GJA5 (gap junction protein alpha 5; minus strand). Cytogenetic location: 1q21.2.
Variant type: single nucleotide variant.
Coding change: c.479G>T on transcript NM_181703.4 (MANE Select); coding-DNA position 479, G replaced by T.
Protein change: p.Arg160Leu; replaces arginine 160 with leucine.
Molecular consequence: missense variant.
Genome position (GRCh38, 1-based): chr1:147,758,760, C>A on the plus strand (G>T on the coding strand, the complement: GJA5 is on the minus strand). VCF-style: chr1-147758760-C-A. GRCh37 (hg19) VCF-style: chr1-147230868-C-A.
Other names: c.479G>T, p.Arg160Leu (NM_005266.7); short protein forms R160L.
Identifiers: ClinVar variation 844690 (VCV000844690.8), dbSNP rs782538185, ClinGen allele CA1065756.
Genomic context (GRCh38, chr1:147,758,760, plus strand): 5'-GTCAGGAAGATTCCGTAGATGAAGTACTGGCCCACAATGAAGCCCACCTCCATGGTGGTG[C>A]GGATCAGGATGCTGCACACATAGGTGTTGAGCAGAGTGCCCTGGAGGGCAATCCTTCCAT-3'
Protein context (NP_859054.1, residues 150-170): LNTYVCSILI[Arg160Leu]TTMEVGFIVG